The following is an entry in ClinVar:

NM_000179.3(MSH6):c.2304T>C (p.Pro768=)

Gene: MSH6 (mutS homolog 6; plus strand). Cytogenetic location: 2p16.3.
Variant type: single nucleotide variant.
Coding change: c.2304T>C on transcript NM_000179.3 (MANE Select); coding-DNA position 2304, T replaced by C.
Protein change: p.Pro768=; no amino-acid change (proline 768 retained).
Molecular consequence: synonymous variant.
Genome position (GRCh38, 1-based): chr2:47,800,287, T>C. VCF-style: chr2-47800287-T-C. GRCh37 (hg19) VCF-style: chr2-48027426-T-C.
Other names: c.1914T>C, p.Pro638= (NM_001281492.2); c.1398T>C, p.Pro466= (NM_001281493.2, NM_001281494.2).
Identifiers: ClinVar variation 1143330 (VCV001143330.20), dbSNP rs1553413685, ClinGen allele CA426121444.

ClinVar aggregate classification (germline): Likely benign. Review status: criteria provided, multiple submitters, no conflicts (2 of 4 stars). 3 submissions from 3 submitters: Likely benign (3). Last evaluated 2025-08-01.

Conditions:
Hereditary nonpolyposis colorectal neoplasms. Identifiers: MedGen C0009405, MeSH D003123.

Submissions (3):

CeGaT Center for Human Genetics Tuebingen
Classification: Likely benign. Last evaluated: 2025-08-01. Review status: criteria provided, single submitter. Criteria: CeGaT Center For Human Genetics Tuebingen Variant Classification Criteria Version 2. Collection method: clinical testing. Allele origin: germline. Affected: yes. Observed: 1 variant allele.
Comment: MSH6: PM2:Supporting, BP4, BP7

GeneDx
Classification: Likely benign. Last evaluated: 2019-11-22. Review status: criteria provided, single submitter. Criteria: GeneDx Variant Classification Process June 2021. Collection method: clinical testing. Allele origin: germline. Affected: yes.

Labcorp Genetics (formerly Invitae), Labcorp
Classification: Likely benign for Hereditary nonpolyposis colorectal neoplasms. Last evaluated: 2019-03-04. Review status: criteria provided, single submitter. Criteria: Invitae Variant Classification Sherloc (09022015). Collection method: clinical testing. Allele origin: germline.